The following is an entry in ClinVar:

NM_004370.6(COL12A1):c.7255A>G (p.Ser2419Gly)

Genes: COL12A1 (collagen type XII alpha 1 chain; minus strand), LOC126859712 (MED14-independent group 3 enhancer GRCh37_chr6:75828643-75829842; plus strand). Cytogenetic location: 6q13.
Variant type: single nucleotide variant.
Coding change: c.7255A>G on transcript NM_004370.6 (MANE Select); coding-DNA position 7255, A replaced by G.
Protein change: p.Ser2419Gly; replaces serine 2419 with glycine.
Molecular consequence: missense variant.
Genome position (GRCh38, 1-based): chr6:75,119,142, T>C on the plus strand (A>G on the coding strand, the complement: COL12A1 is on the minus strand). VCF-style: chr6-75119142-T-C. GRCh37 (hg19) VCF-style: chr6-75828858-T-C.
Other names: c.7255A>G, p.Ser2419Gly (NM_001424113.1); c.7234A>G, p.Ser2412Gly (NM_001424114.1); c.6982A>G, p.Ser2328Gly (NM_001424115.1); c.3763A>G, p.Ser1255Gly (NM_001424116.1, NM_080645.3); short protein forms S1255G, S2328G, S2412G, S2419G.
Identifiers: ClinVar variation 2953155 (VCV002953155.3), dbSNP rs2533200039, ClinGen allele CA364747950.

ClinVar aggregate classification (germline): Uncertain significance (1 of 4 stars; one submission).

Conditions:
Ullrich congenital muscular dystrophy 2 (UCMD2). Identifiers: Orphanet 75840, MedGen C4225314, MONDO:0014654, OMIM 616470.
Bethlem myopathy 2 (BTHLM2). Identifiers: Orphanet 536516, Orphanet 610, MedGen C4225313, MONDO:0034022, OMIM 616471.

Submission:

Labcorp Genetics (formerly Invitae), Labcorp
Classification: Uncertain significance for Bethlem myopathy 2; Ullrich congenital muscular dystrophy 2. Last evaluated: 2023-10-22. Review status: criteria provided, single submitter. Criteria: Invitae Variant Classification Sherloc (09022015). Collection method: clinical testing. Allele origin: germline.
Comment: This sequence change replaces serine, which is neutral and polar, with glycine, which is neutral and non-polar, at codon 2419 of the COL12A1 protein (p.Ser2419Gly). This variant is not present in population databases (gnomAD no frequency). This variant has not been reported in the literature in individuals affected with COL12A1-related conditions. Advanced modeling of protein sequence and biophysical properties (such as structural, functional, and spatial information, amino acid conservation, physicochemical variation, residue mobility, and thermodynamic stability) performed at Invitae indicates that this missense variant is not expected to disrupt COL12A1 protein function. In summary, the available evidence is currently insufficient to determine the role of this variant in disease. Therefore, it has been classified as a Variant of Uncertain Significance.